The following is an entry in ClinVar:

NM_000441.2(SLC26A4):c.706C>G (p.Leu236Val)

Gene: SLC26A4 (solute carrier family 26 member 4; plus strand). Cytogenetic location: 7q22.3.
Variant type: single nucleotide variant.
Coding change: c.706C>G on transcript NM_000441.2 (MANE Select); coding-DNA position 706, C replaced by G.
Protein change: p.Leu236Val; replaces leucine 236 with valine.
Molecular consequence: missense variant.
Genome position (GRCh38, 1-based): chr7:107,675,050, C>G. VCF-style: chr7-107675050-C-G. GRCh37 (hg19) VCF-style: chr7-107315495-C-G.
Other names: NM_000441.1(SLC26A4):c.706C>G(p.Leu236Val); NM_000441.2(SLC26A4):c.706C>G; short protein forms L236V.
Identifiers: ClinVar variation 43565 (VCV000043565.42), dbSNP rs111033242, ClinGen allele CA132738.
Genomic context (GRCh38, chr7:107,675,050, plus strand): 5'-GCAGATCCTTTGGTTGGTGGCTTCACAACAGCTGCTGCCTTCCAAGTGCTGGTCTCACAG[C>G]TAAAGATTGTCCTCAATGTTTCAACCAAAAACTACAATGGAGTTCTCTCTATTATCTATG-3'
Protein context (NP_000432.1, residues 226-246): AAAFQVLVSQ[Leu236Val]KIVLNVSTKN

ClinVar aggregate classification (germline): Pathogenic. Review status: reviewed by expert panel (3 of 4 stars). 13 submissions from 13 submitters: Pathogenic (1). 12 of the submissions do not count toward it. Last evaluated 2024-10-16.

Conditions:
SLC26A4-related disorder. Also called: SLC26A4-related disorders; SLC26A4-related condition.
Deafness. Identifiers: MedGen C0011053.
Rare genetic deafness. Identifiers: Orphanet 96210, MedGen C5680250.
Pendred syndrome (PDS). Also called: Pendred's syndrome; THYROID DYSHORMONOGENESIS 2B; THYROID HORMONOGENESIS, GENETIC DEFECT IN, 2B; Pendred Syndrome (PDS); DEAFNESS WITH GOITER; GOITER-DEAFNESS SYNDROME. Identifiers: Orphanet 705, MedGen C0271829, MONDO:0010134, OMIM 274600.
Autosomal recessive nonsyndromic hearing loss 4 (DFNB4). Also called: Deafness, autosomal recessive 4, with enlarged vestibular aqueduct; Enlarged vestibular aqueduct, digenic; Nonsyndromic enlarged vestibular aqueduct (NSEVA); FOXI1-Related Pendred Syndrome; KCNJ10-Related Pendred Syndrome; DEAFNESS, AUTOSOMAL RECESSIVE 4, WITH ENLARGED VESTIBULAR AQUEDUCT, DIGENIC. Identifiers: Orphanet 90636, MedGen C3538946, MONDO:0010933, OMIM 600791.

Allele frequency attached by ClinVar (database versions not stated): gnomAD exomes 0.00001 and 0.00005; TOPMed 0.00002; ExAC 0.00003.
gnomAD v4.1: 24 of 1,613,992 alleles (0.0015%); highest among the groups gnomAD compares: Admixed American, 0.018%; no homozygotes.

Submissions (13):

ClinGen Hearing Loss Variant Curation Expert Panel
Classification: Pathogenic for Pendred syndrome. Last evaluated: 2024-10-16. Review status: reviewed by expert panel. Criteria: Clingen Hl Acmg Specifications Cdh23 Coch Gjb2 Kcnq4 Myo6 Myo7a Slc26a4 Tecta Ush2a V2. Collection method: curation. Allele origin: germline. Inheritance: Autosomal recessive inheritance.
Comment: The c.706C>G variant in SLC26A4 is a missense variant predicted to cause substitution of leucine by valine at amino acid 236 (p.Leu236Val). The variant was identified in 0.01833% (11/59998) of admixed American alleles, which is the highest population minor allele frequency in gnomAD v4.1.0 (PM2_Supporting and BS1 are not met). This variant has been detected in 3 probands in trans with a pathogenic variant, in 5 probands in phase unknown with a pathogenic variant, and in the homozygous state in 3 probands, all of whom had hearing loss and/or inner ear malformations consistent with Pendred syndrome. The variant was also identified with a pathogenic splice site variant in 2 probands (PM3_VeryStrong; Partners Laboratory for Molecular Medicine internal data ClinVar SCV000060159.5, ARUP internal data ClinVar SCV000605149.1, Chinese PLA General Hospital internal data, Molecular Otolaryngology and Renal Research Laboratories internal data, Revvity ClinVar SCV002023538.3GeneDx internal data ClinVar SCV001783711.3, Invitae internal data ClinVar SCV002234501.3). This variant was seen in two probands with no second variant identified whose phenotypes were consistent with Pendred syndrome (PMID: 34410491, 34515852), as well as in one proband with enlarged vestibular aqueduct who was compound heterozygous with a likely pathogenic variant in phase unknown (PP4; PMID: 36703223). A different pathogenic missense variant (p.Leu236Pro) has been previously identified at this codon of SLC26A4, which may indicate that this residue is critical to the function of the protein (PM5; ClinVar Variation ID 4817). Additionally, the variant was seen in an adult with deafness who had two pathogenic GJB2 variants in trans (Revvity internal data ClinVar SCV002023538.3). The variant has been reported to segregate with hearing loss in two affected family members (PP1_Moderate; Partners Laboratory for Molecular Medicine internal data ClinVar SCV000060159.5). In summary, this variant meets criteria to be classified as pathogenic for autosomal recessive Pendred syndrome based on the ACMG/AMP criteria applied as specified by the Hearing Loss Expert Panel: PM3_VeryStrong, PM5, PP1_Moderate, PP4. (ClinGen Hearing Loss VCEP specifications version 2; 10/16/2024)

PreventionGenetics, part of Exact Sciences
Classification: Likely pathogenic for SLC26A4-related condition. Last evaluated: 2026-02-02. Review status: criteria provided, single submitter. Criteria: ACMG Guidelines, 2015. Collection method: clinical testing. Allele origin: germline. Not counted in ClinVar's aggregate classification.
Comment: The SLC26A4 c.706C>G variant is predicted to result in the amino acid substitution p.Leu236Val. This variant has been reported in the homozygous state in four unrelated patients with hearing loss and enlarged vestibular aqueduct (EVA; Chiong et al. 2018. PubMed ID: 30113565). An alternative substitution at this amino acid position is well documented to be pathogenic (p.Leu236Pro; Variation ID: 4817). This variant is reported in 0.026% of alleles in individuals of Latino descent in gnomAD. This variant has been classified as likely pathogenic by the ClinGen Hearing Loss Variant Curation Expert Panel (Variation ID: 43565). This variant is interpreted as likely pathogenic.

GeneDx
Classification: Pathogenic. Last evaluated: 2025-12-03. Review status: criteria provided, single submitter. Criteria: GeneDx Variant Classification Process June 2021. Collection method: clinical testing. Allele origin: germline. Affected: yes. Not counted in ClinVar's aggregate classification.
Comment: In silico analysis supports a deleterious effect on splicing; In silico analysis suggests that this missense variant does not alter protein structure/function; This variant is associated with the following publications: (PMID: 30311386, 25991456, 21704276, 31009165, 33885265, 34410491, 31581539, 33924653, 33136026, 30268946, 36703223, 34515852, 30113565, 38167091, 9618166, 9618167, 25999548)

Labcorp Genetics (formerly Invitae), Labcorp
Classification: Pathogenic. Last evaluated: 2025-11-25. Review status: criteria provided, single submitter. Criteria: Invitae Variant Classification Sherloc (09022015). Collection method: clinical testing. Allele origin: germline. Not counted in ClinVar's aggregate classification.
Comment: This sequence change replaces leucine, which is neutral and non-polar, with valine, which is neutral and non-polar, at codon 236 of the SLC26A4 protein (p.Leu236Val). This variant is present in population databases (rs111033242, gnomAD 0.03%). This missense change has been observed in individual(s) with deafness, often in combination with p.Thr67Ser. However, this variant has also been observed without Thr67Ser in affected individual(s) (PMID: 21704276, 25991456; internal data). In at least one individual the data is consistent with being in trans (on the opposite chromosome) from a pathogenic variant. ClinVar contains an entry for this variant (Variation ID: 43565). An algorithm developed to predict the effect of missense changes on protein structure and function outputs the following: PolyPhen-2: "Benign". The valine amino acid residue is found in multiple mammalian species, which suggests that this missense change does not adversely affect protein function. Algorithms developed to predict the effect of sequence changes on RNA splicing suggest that this variant may disrupt the consensus splice site. This variant disrupts the p.Leu236 amino acid residue in SLC26A4. Other variant(s) that disrupt this residue have been determined to be pathogenic (PMID: 9618166, 10861298, 12354788, 15689455, 18310264). This suggests that this residue is clinically significant, and that variants that disrupt this residue are likely to be disease-causing. For these reasons, this variant has been classified as Pathogenic.

Natera, Inc.
Classification: Likely pathogenic for Pendred syndrome. Last evaluated: 2025-10-21. Review status: criteria provided, single submitter. Criteria: Natera Variant Classification Schema (03/2026). Collection method: clinical testing. Allele origin: germline. Not counted in ClinVar's aggregate classification.
Comment: The c.706C>G variant in SLC26A4 is a missense variant predicted to cause substitution of leucine to valine at amino acid 236. This variant is rare in the general population with a frequency below the threshold expected for the associated phenotype(s). This variant has been observed in one or more individuals affected with the associated recessive disease, as either homozygous or compound heterozygous with a second variant (PMID: 36703223, 40998904). A different variant at the same position has been determined to be Pathogenic or Likely Pathogenic. Computational prediction algorithms indicate this variant is likely to affect gene or protein function. Given the available evidence, this variant is classified as Likely Pathogenic.

Dubai Health Genomic Medicine Center, Dubai Health
Classification: Likely pathogenic for Deafness. Last evaluated: 2024-10-04. Review status: criteria provided, single submitter. Criteria: ACMG Guidelines, 2015. Collection method: research. Allele origin: germline. Affected: yes. Not counted in ClinVar's aggregate classification.
Comment: PM2_Supporting, PM3_Strong, PM5, PP1, PP4

Blueprint Genetics
Classification: Pathogenic for SLC26A4-related disorders. Last evaluated: 2024-06-28. Review status: criteria provided, single submitter. Criteria: ACMG Guidelines, 2015. Collection method: clinical testing. Allele origin: germline. Affected: yes. Observed: 5 variant alleles. Not counted in ClinVar's aggregate classification.

Fulgent Genetics
Classification: Likely pathogenic for Pendred syndrome; Autosomal recessive nonsyndromic hearing loss 4. Last evaluated: 2024-05-22. Review status: criteria provided, single submitter. Criteria: ACMG Guidelines, 2015. Collection method: clinical testing. Allele origin: germline. Not counted in ClinVar's aggregate classification.

Baylor Genetics
Classification: Likely pathogenic for Autosomal recessive nonsyndromic hearing loss 4. Last evaluated: 2024-03-16. Review status: criteria provided, single submitter. Criteria: ACMG Guidelines, 2015. Collection method: clinical testing. Allele origin: unknown. Not counted in ClinVar's aggregate classification.

Revvity Omics, Revvity
Classification: Likely pathogenic. Last evaluated: 2023-03-02. Review status: criteria provided, single submitter. Criteria: ACMG Guidelines, 2015. Collection method: clinical testing. Allele origin: germline. Not counted in ClinVar's aggregate classification.

Laboratory for Molecular Medicine, Mass General Brigham Personalized Medicine
Classification: Likely pathogenic for Rare genetic deafness. Last evaluated: 2018-08-02. Review status: criteria provided, single submitter. Criteria: LMM Criteria. Collection method: clinical testing. Allele origin: germline. Inheritance: Autosomal recessive inheritance. Observed: 5 variant alleles. Not counted in ClinVar's aggregate classification.
Comment: It has also been identified in 0.03% (9/33580) of L atino chromosomes by the Genome Aggregation Database (gnomAD; dbSNP rs111033242). This variant also affects a residue that is the site of an established pathogenic variant (p.Leu236Pro; ClinVar ID 4817), su ggesting that changes at this position are not tolerated. Computational predicti on tools and conservation analysis suggest that the p.Leu236Val variant may not impact the protein, though this information is not predictive enough to rule out pathogenicity. It should be noted that this variant is often found in cis with the likely benign p.Thr67Ser variant. In summary, although additional studies ar e required to fully establish its clinical significance, the p.Leu236Val variant is likely pathogenic. ACMG/AMP criteria applied: PM3, PM5, PP1_Moderate, PM2_Su pporting, BP4.

ARUP Laboratories, Molecular Genetics and Genomics, ARUP Laboratories
Classification: Uncertain significance. Last evaluated: 2017-02-09. Review status: criteria provided, single submitter. Criteria: ARUP Molecular Germline Variant Investigation Process. Collection method: clinical testing. Allele origin: germline. Not counted in ClinVar's aggregate classification.

Counsyl
Classification: Likely pathogenic for Pendred syndrome. Last evaluated: 2016-07-14. Review status: no assertion criteria provided. Collection method: clinical testing. Allele origin: unknown. Not counted in ClinVar's aggregate classification.

Literature cited by the submitters: PubMed 25991456 (cited by 4 submitters); PubMed 21704276 (cited by 3 submitters); PubMed 9618166 (cited by Labcorp Genetics (formerly Invitae), Labcorp); PubMed 10861298 (cited by Labcorp Genetics (formerly Invitae), Labcorp); PubMed 12354788 (cited by Labcorp Genetics (formerly Invitae), Labcorp); PubMed 15689455 (cited by Labcorp Genetics (formerly Invitae), Labcorp); PubMed 18310264 (cited by Labcorp Genetics (formerly Invitae), Labcorp); PubMed 36703223 (cited by Natera, Inc.); PubMed 40998904 (cited by Natera, Inc.).